The following is an entry in ClinVar:

NM_031370.3(HNRNPD):c.796C>T (p.Gln266Ter)

Gene: HNRNPD (heterogeneous nuclear ribonucleoprotein D; minus strand). Cytogenetic location: 4q21.22.
Variant type: single nucleotide variant.
Coding change: c.796C>T on transcript NM_031370.3 (MANE Select); coding-DNA position 796, C replaced by T.
Protein change: p.Gln266Ter; replaces glutamine 266 with a stop codon.
Molecular consequence: nonsense.
Genome position (GRCh38, 1-based): chr4:82,356,853, G>A on the plus strand (C>T on the coding strand, the complement: HNRNPD is on the minus strand). VCF-style: chr4-82356853-G-A. GRCh37 (hg19) VCF-style: chr4-83278006-G-A.
Other names: c.739C>T, p.Gln247Ter (NM_001003810.2, NM_031369.3); c.796C>T, p.Gln266Ter (NM_002138.4); short protein forms Q247*, Q266*.
Identifiers: ClinVar variation 3897642 (VCV003897642.1).

ClinVar aggregate classification (germline): Likely pathogenic (1 of 4 stars; one submission).

Conditions:
Intellectual disability. Also called: Intellectual functioning disability; intellectual disabilities; Intellectual developmental disorder. Identifiers: MedGen C3714756, MeSH D008607, MONDO:0001071, HP:0001249.

Submission:

Genetics Laboratory, UDIAT-Centre Diagnòstic, Hospital Universitari Parc Tauli
Classification: Likely pathogenic for intellectual disability. Last evaluated: 2024-05-06. Review status: criteria provided, single submitter. Criteria: ACMG Guidelines, 2015. Collection method: clinical testing. Allele origin: unknown. Inheritance: Autosomal dominant inheritance. Affected: yes.
Comment: PVS1_very strong;PM2_supporting